The following is an entry in ClinVar:

NM_002335.4(LRP5):c.3614A>G (p.Glu1205Gly)

Gene: LRP5 (LDL receptor related protein 5; plus strand). Cytogenetic location: 11q13.2.
Variant type: single nucleotide variant.
Coding change: c.3614A>G on transcript NM_002335.4 (MANE Select); coding-DNA position 3614, A replaced by G.
Protein change: p.Glu1205Gly; replaces glutamic acid 1205 with glycine.
Molecular consequence: missense variant.
Genome position (GRCh38, 1-based): chr11:68,426,164, A>G. VCF-style: chr11-68426164-A-G. GRCh37 (hg19) VCF-style: chr11-68193632-A-G.
Other names: c.1871A>G, p.Glu624Gly (NM_001291902.2); short protein forms E1205G, E624G.
Identifiers: ClinVar variation 1346659 (VCV001346659.8), dbSNP rs1260043027, ClinGen allele CA381622053.

ClinVar aggregate classification (germline): Uncertain significance (1 of 4 stars; one submission).

Submission:

Labcorp Genetics (formerly Invitae), Labcorp
Classification: Uncertain significance. Last evaluated: 2022-02-01. Review status: criteria provided, single submitter. Criteria: Invitae Variant Classification Sherloc (09022015). Collection method: clinical testing. Allele origin: germline.
Comment: In summary, the available evidence is currently insufficient to determine the role of this variant in disease. Therefore, it has been classified as a Variant of Uncertain Significance. Advanced modeling of protein sequence and biophysical properties (such as structural, functional, and spatial information, amino acid conservation, physicochemical variation, residue mobility, and thermodynamic stability) performed at Invitae indicates that this missense variant is not expected to disrupt LRP5 protein function. This variant has not been reported in the literature in individuals affected with LRP5-related conditions. This variant is not present in population databases (gnomAD no frequency). This sequence change replaces glutamic acid, which is acidic and polar, with glycine, which is neutral and non-polar, at codon 1205 of the LRP5 protein (p.Glu1205Gly).